The following is an entry in ClinVar:

ClinVar aggregate classification (germline): Benign. Review status: criteria provided, multiple submitters, no conflicts (2 of 4 stars). 3 submissions from 3 submitters: Benign (3). Last evaluated 2018-06-16.

Allele frequency attached by ClinVar (database versions not stated): gnomAD 0.16984 and 0.16759; ESP Exome Variant Server 0.17354; 1000 Genomes Project 30x 0.24344; gnomAD exomes 0.09414 and 0.05560; TOPMed 0.18290; ExAC 0.10276; 1000 Genomes Project 0.23602.
gnomAD v4.1: 104,513 of 1,546,326 alleles (6.8%); highest among the groups gnomAD compares: African/African-American, 46%; 11,783 homozygotes.

Submissions (3):

GeneDx
Classification: Benign. Last evaluated: 2018-06-16. Review status: criteria provided, single submitter. Criteria: GeneDx Variant Classification (06012015). Collection method: clinical testing. Allele origin: germline. Affected: yes.
Comment: This variant is considered likely benign or benign based on one or more of the following criteria: it is a conservative change, it occurs at a poorly conserved position in the protein, it is predicted to be benign by multiple in silico algorithms, and/or has population frequency not consistent with disease.

Breakthrough Genomics
Classification: Benign. Review status: criteria provided, single submitter. Criteria: ACMG Guidelines, 2015. Collection method: not provided. Allele origin: germline. Inheritance: Autosomal recessive inheritance. Affected: yes.

PreventionGenetics, part of Exact Sciences
Classification: Benign. Review status: criteria provided, single submitter. Criteria: ACMG Guidelines, 2015. Collection method: clinical testing. Allele origin: germline.

NM_001384140.1(PCDH15):c.2751+43C>G

Gene: PCDH15 (protocadherin related 15; minus strand). Cytogenetic location: 10q21.1.
Variant type: single nucleotide variant.
Coding change: c.2751+43C>G on transcript NM_001384140.1 (MANE Select); 43 bases into the intron after coding-DNA position 2751, C replaced by G.
Molecular consequence: intron variant.
Genome position (GRCh38, 1-based): chr10:54,020,149, G>C on the plus strand (C>G on the coding strand, the complement: PCDH15 is on the minus strand). VCF-style: chr10-54020149-G-C. GRCh37 (hg19) VCF-style: chr10-55779909-G-C.
Other names: c.2751+43C>G (NM_001354420.2, NM_001354429.2, NM_001142772.2 and 5 more transcripts); c.2766+43C>G (NM_001142771.2, NM_001142763.2); c.2772+43C>G (NM_001354411.2); c.2787+43C>G (NM_001142769.3); c.2685+43C>G (NM_001354404.2, NM_001142773.2, NM_001142768.2); c.2640+43C>G (NM_001142767.2); c.2538+43C>G (NM_001142765.2).
Identifiers: ClinVar variation 262148 (VCV000262148.3), dbSNP rs2660169, ClinGen allele CA5505937.